The following is an entry in ClinVar:

ClinVar aggregate classification (germline): Uncertain significance. Review status: criteria provided, multiple submitters, no conflicts (2 of 4 stars). 2 submissions from 2 submitters: Uncertain significance (2). Last evaluated 2020-12-28.

Conditions:
Brody myopathy. Also called: BRODY DISEASE. Identifiers: Orphanet 53347, MedGen C1832918, MONDO:0010977, OMIM 601003.

gnomAD v4.1: 1 of 1,613,762 alleles (0.000062%); highest among the groups gnomAD compares: Non-Finnish European, 0.000085%; no homozygotes.

Submissions (2):

Revvity Omics, Revvity
Classification: Uncertain significance for Brody myopathy. Last evaluated: 2020-12-28. Review status: criteria provided, single submitter. Criteria: ACMG Guidelines, 2015. Collection method: clinical testing. Allele origin: germline.

GeneDx
Classification: Uncertain significance. Last evaluated: 2019-07-04. Review status: criteria provided, single submitter. Criteria: GeneDx Variant Classification Process June 2021. Collection method: clinical testing. Allele origin: germline. Affected: yes.
Comment: Published functional studies demonstrate that ATP-dependent calcium uptake and ATPase activity of F256V was similar to wild-type (Yu et al., 1999); Published functional studies demonstrate that F256V reduced the sensitivity to thapsigargin in C.elegans (Zwaal et al., 2001); In silico analysis, which includes protein predictors and evolutionary conservation, supports a deleterious effect; Not observed in large population cohorts (Lek et al., 2016); This variant is associated with the following publications: (PMID: 9989931, 11559701)

NM_004320.6(ATP2A1):c.766T>G (p.Phe256Val)

Gene: ATP2A1 (ATPase sarcoplasmic/endoplasmic reticulum Ca2+ transporting 1; plus strand). Cytogenetic location: 16p11.2.
Variant type: single nucleotide variant.
Coding change: c.766T>G on transcript NM_004320.6 (MANE Select); coding-DNA position 766, T replaced by G.
Protein change: p.Phe256Val; replaces phenylalanine 256 with valine.
Molecular consequence: missense variant.
Genome position (GRCh38, 1-based): chr16:28,887,560, T>G. VCF-style: chr16-28887560-T-G. GRCh37 (hg19) VCF-style: chr16-28898881-T-G.
Other names: c.391T>G, p.Phe131Val (NM_001286075.2); c.766T>G, p.Phe256Val (NM_173201.5); short protein forms F131V, F256V.
Identifiers: ClinVar variation 1306780 (VCV001306780.4), dbSNP rs2152203938, ClinGen allele CA395403912.